The following is an entry in ClinVar:

ClinVar aggregate classification (germline): Uncertain significance. Review status: criteria provided, multiple submitters, no conflicts (2 of 4 stars). 3 submissions from 3 submitters: Uncertain significance (2). 1 of the submissions does not count toward it. Last evaluated 2024-11-25.

Conditions:
Pulmonary fibrosis and/or bone marrow failure, Telomere-related, 3. Also called: PULMONARY FIBROSIS AND/OR BONE MARROW FAILURE SYNDROME, TELOMERE-RELATED, 3. Identifiers: Orphanet 2032, MedGen C4225346, MONDO:0014613, OMIM 616373.
Dyskeratosis congenita, autosomal recessive 5 (DKCB5). Identifiers: MedGen C3554656, MONDO:0014076, OMIM 615190.
Inborn genetic diseases. Identifiers: MedGen C0950123, MeSH D030342.
Dyskeratosis congenita. Identifiers: Orphanet 1775, MedGen C0265965, MONDO:0015780.

Allele frequency attached by ClinVar (database versions not stated): TOPMed below 0.00001; ExAC 0.00001; gnomAD exomes 0.00001.
gnomAD v4.1: 9 of 1,611,658 alleles (0.00056%); highest among the groups gnomAD compares: South Asian, 0.0011%; no homozygotes.

Submissions (3):

Ambry Genetics
Classification: Uncertain significance for Inborn genetic diseases. Last evaluated: 2024-11-25. Review status: criteria provided, single submitter. Criteria: Ambry Variant Classification Scheme 2023. Collection method: clinical testing. Allele origin: germline.
Comment: The p.M258T variant (also known as c.773T>C), located in coding exon 9 of the RTEL1 gene, results from a T to C substitution at nucleotide position 773. The methionine at codon 258 is replaced by threonine, an amino acid with similar properties. This amino acid position is conserved. In addition, this alteration is predicted to be tolerated by in silico analysis. Based on the available evidence, the clinical significance of this variant remains unclear.

Labcorp Genetics (formerly Invitae), Labcorp
Classification: Uncertain significance for Dyskeratosis congenita, autosomal recessive 5; Pulmonary fibrosis and/or bone marrow failure, Telomere-related, 3. Last evaluated: 2023-09-27. Review status: criteria provided, single submitter. Criteria: Invitae Variant Classification Sherloc (09022015). Collection method: clinical testing. Allele origin: germline.
Comment: In summary, the available evidence is currently insufficient to determine the role of this variant in disease. Therefore, it has been classified as a Variant of Uncertain Significance. An algorithm developed to predict the effect of missense changes on protein structure and function (PolyPhen-2) suggests that this variant is likely to be tolerated. ClinVar contains an entry for this variant (Variation ID: 969065). This variant has not been reported in the literature in individuals affected with RTEL1-related conditions. This variant is present in population databases (no rsID available, gnomAD 0.0009%). This sequence change replaces methionine, which is neutral and non-polar, with threonine, which is neutral and polar, at codon 258 of the RTEL1 protein (p.Met258Thr).

Natera, Inc.
Classification: Uncertain significance for Dyskeratosis congenita. Last evaluated: 2020-05-02. Review status: no assertion criteria provided. Collection method: clinical testing. Allele origin: germline. Not counted in ClinVar's aggregate classification.

NM_001283009.2(RTEL1):c.773T>C (p.Met258Thr)

Genes: RTEL1 (regulator of telomere elongation helicase 1; plus strand), RTEL1-TNFRSF6B (RTEL1-TNFRSF6B readthrough (NMD candidate); plus strand). Cytogenetic location: 20q13.33.
Variant type: single nucleotide variant.
Coding change: c.773T>C on transcript NM_001283009.2 (MANE Select); coding-DNA position 773, T replaced by C.
Protein change: p.Met258Thr; replaces methionine 258 with threonine.
Molecular consequence: missense variant. On other transcripts: non-coding transcript variant (1).
Genome position (GRCh38, 1-based): chr20:63,673,947, T>C. VCF-style: chr20-63673947-T-C. GRCh37 (hg19) VCF-style: chr20-62305300-T-C.
Other names: c.104T>C, p.Met35Thr (NM_001283010.1); c.773T>C, p.Met258Thr (NM_016434.4); c.845T>C, p.Met282Thr (NM_032957.5); short protein forms M258T, M35T, M282T.
Identifiers: ClinVar variation 969065 (VCV000969065.8), dbSNP rs1555901763, ClinGen allele CA9964448.